The following is an entry in ClinVar:

NM_001378477.3(NYX):c.890C>T (p.Ser297Leu)

Gene: NYX (nyctalopin; plus strand). Cytogenetic location: Xp11.4.
Variant type: single nucleotide variant.
Coding change: c.890C>T on transcript NM_001378477.3 (MANE Select); coding-DNA position 890, C replaced by T.
Protein change: p.Ser297Leu; replaces serine 297 with leucine.
Molecular consequence: missense variant.
Genome position (GRCh38, 1-based): chrX:41,474,358, C>T. VCF-style: chrX-41474358-C-T. GRCh37 (hg19) VCF-style: chrX-41333611-C-T.
Other names: c.890C>T, p.Ser297Leu (NM_022567.3); c.905C>T (NM_022567.2); short protein forms S297L.
Identifiers: ClinVar variation 1020364 (VCV001020364.11), dbSNP rs770193408, ClinGen allele CA10389878.
Genomic context (GRCh38, chrX:41,474,358, plus strand): 5'-TGCTCTACCTGGACCGCAACAGCATCGCCTTCGTGGAGGAGGGCGCCTTCCAGAACCTCT[C>T]GGGTCTCCTCGCGCTGCACCTCAACGGCAACCGCCTCACCGTGCTCGCCTGGGTCGCCTT-3'
Protein context (NP_001365406.2, residues 287-307): FVEEGAFQNL[Ser297Leu]GLLALHLNGN

ClinVar aggregate classification (germline): Uncertain significance. Review status: criteria provided, multiple submitters, no conflicts (2 of 4 stars). 3 submissions from 3 submitters: Uncertain significance (3). Last evaluated 2025-09-24.

Conditions:
Inborn genetic diseases. Identifiers: MedGen C0950123, MeSH D030342.

Allele frequency attached by ClinVar (database versions not stated): ExAC 0.00002; gnomAD exomes 0.00002 and 0.00003; TOPMed 0.00003.
gnomAD v4.1: 33 of 1,206,835 alleles (0.0027%); highest among the groups gnomAD compares: Middle Eastern, 0.023%; no homozygotes.

Submissions (3):

Ambry Genetics
Classification: Uncertain significance for Inborn genetic diseases. Last evaluated: 2025-09-24. Review status: criteria provided, single submitter. Criteria: Ambry Variant Classification Scheme 2023. Collection method: clinical testing. Allele origin: germline.

Labcorp Genetics (formerly Invitae), Labcorp
Classification: Uncertain significance. Last evaluated: 2024-11-18. Review status: criteria provided, single submitter. Criteria: Invitae Variant Classification Sherloc (09022015). Collection method: clinical testing. Allele origin: germline.
Comment: This sequence change replaces serine, which is neutral and polar, with leucine, which is neutral and non-polar, at codon 302 of the NYX protein (p.Ser302Leu). This variant is present in population databases (rs770193408, gnomAD 0.02%). This variant has not been reported in the literature in individuals affected with NYX-related conditions. ClinVar contains an entry for this variant (Variation ID: 1020364). Invitae Evidence Modeling of protein sequence and biophysical properties (such as structural, functional, and spatial information, amino acid conservation, physicochemical variation, residue mobility, and thermodynamic stability) indicates that this missense variant is not expected to disrupt NYX protein function with a negative predictive value of 80%. In summary, the available evidence is currently insufficient to determine the role of this variant in disease. Therefore, it has been classified as a Variant of Uncertain Significance.

Blueprint Genetics
Classification: Uncertain significance. Last evaluated: 2022-07-26. Review status: criteria provided, single submitter. Criteria: ACMG Guidelines, 2015. Collection method: clinical testing. Allele origin: germline.